The following is an entry in ClinVar:

NM_000222.3(KIT):c.15C>G (p.Arg5=)

Gene: KIT (KIT proto-oncogene, receptor tyrosine kinase; plus strand). Cytogenetic location: 4q12.
Variant type: single nucleotide variant.
Coding change: c.15C>G on transcript NM_000222.3 (MANE Select); coding-DNA position 15, C replaced by G.
Protein change: p.Arg5=; no amino-acid change (arginine 5 retained).
Molecular consequence: synonymous variant.
Genome position (GRCh38, 1-based): chr4:54,658,029, C>G. VCF-style: chr4-54658029-C-G. GRCh37 (hg19) VCF-style: chr4-55524196-C-G.
Other names: c.15C>G, p.Arg5= (NM_001093772.2, NM_001385284.1, NM_001385285.1 and 4 more transcripts).
Identifiers: ClinVar variation 458881 (VCV000458881.15), dbSNP rs1357038342, ClinGen allele CA439290310.
Genomic context (GRCh38, chr4:54,658,029, plus strand): 5'-GAGCTGGAACGTGGACCAGAGCTCGGATCCCATCGCAGCTACCGCGATGAGAGGCGCTCG[C>G]GGCGCCTGGGATTTTCTCTGCGTTCTGCTCCTACTGCTTCGCGTCCAGACAGGTGGGACA-3'
Protein context (NP_000213.1, residues 1-15): MRGA[Arg5=]GAWDFLCVLL

ClinVar aggregate classification (germline): Benign/Likely benign. Review status: criteria provided, multiple submitters, no conflicts (2 of 4 stars). 3 submissions from 3 submitters: Benign (1); Likely benign (2). Last evaluated 2026-06-02.

Conditions:
Hereditary cancer-predisposing syndrome. Also called: Tumor predisposition; Hereditary neoplastic syndrome; Neoplastic Syndromes, Hereditary; Hereditary Cancer Syndrome. Identifiers: Orphanet 140162, MedGen C0027672, MeSH D009386, MONDO:0015356.
Gastrointestinal stromal tumor. Also called: Gastrointestinal stroma tumor; Gastrointestinal stromal tumor, somatic. Identifiers: Orphanet 44890, MedGen C0238198, MeSH D046152, MONDO:0011719, OMIM 606764, HP:0100723.

Allele frequency attached by ClinVar (database versions not stated): TOPMed below 0.00001; gnomAD 0.00001.
gnomAD v4.1: 20 of 1,613,780 alleles (0.0012%); highest among the groups gnomAD compares: Non-Finnish European, 0.0017%; no homozygotes.

Submissions (3):

Myriad Genetics, Inc.
Classification: Benign for Gastrointestinal stromal tumor. Last evaluated: 2026-06-02. Review status: criteria provided, single submitter. Criteria: Myriad Autosomal Dominant, Autosomal Recessive and X-Linked Classification Criteria (2023). Collection method: clinical testing. Allele origin: unknown.
Comment: This variant is considered benign. This variant is a silent/synonymous amino acid change and it is not expected to impact splicing.

Labcorp Genetics (formerly Invitae), Labcorp
Classification: Likely benign for Gastrointestinal stromal tumor. Last evaluated: 2024-09-11. Review status: criteria provided, single submitter. Criteria: Invitae Variant Classification Sherloc (09022015). Collection method: clinical testing. Allele origin: germline.

Ambry Genetics
Classification: Likely benign for Hereditary cancer-predisposing syndrome. Last evaluated: 2022-08-03. Review status: criteria provided, single submitter. Criteria: Ambry Variant Classification Scheme 2023. Collection method: clinical testing. Allele origin: germline.